The following is an entry in ClinVar:

ClinVar aggregate classification (germline): Likely benign. Review status: criteria provided, multiple submitters, no conflicts (2 of 4 stars). 2 submissions from 2 submitters: Likely benign (2). Last evaluated 2025-12-22.

Conditions:
MYO15A-related disorder. Also called: MYO15A-related condition.

Allele frequency attached by ClinVar (database versions not stated): TOPMed 0.00002; gnomAD 0.00004; ExAC 0.00007; 1000 Genomes Project 0.00020; 1000 Genomes Project 30x 0.00031.
gnomAD v4.1: 21 of 1,613,594 alleles (0.0013%); highest among the groups gnomAD compares: East Asian, 0.045%; no homozygotes.

Submissions (2):

PreventionGenetics, part of Exact Sciences
Classification: Likely benign for MYO15A-related condition. Last evaluated: 2025-12-22. Review status: criteria provided, single submitter. Criteria: ACMG Guidelines, 2015. Collection method: clinical testing. Allele origin: germline.
Comment: This variant is classified as likely benign based on ACMG/AMP sequence variant interpretation guidelines (Richards et al. 2015 PMID: 25741868, with internal and published modifications).

Labcorp Genetics (formerly Invitae), Labcorp
Classification: Likely benign. Last evaluated: 2024-02-02. Review status: criteria provided, single submitter. Criteria: Invitae Variant Classification Sherloc (09022015). Collection method: clinical testing. Allele origin: germline.

NM_016239.4(MYO15A):c.8418C>T (p.Gly2806=)

Gene: MYO15A (myosin XVA; plus strand). Cytogenetic location: 17p11.2.
Variant type: single nucleotide variant.
Coding change: c.8418C>T on transcript NM_016239.4 (MANE Select); coding-DNA position 8418, C replaced by T.
Protein change: p.Gly2806=; no amino-acid change (glycine 2806 retained).
Molecular consequence: synonymous variant.
Genome position (GRCh38, 1-based): chr17:18,155,391, C>T. VCF-style: chr17-18155391-C-T. GRCh37 (hg19) VCF-style: chr17-18058705-C-T.
Other names: c.8418C>T (NM_016239.3).
Identifiers: ClinVar variation 2905014 (VCV002905014.4), dbSNP rs200312324, ClinGen allele CA8425155.